The following is an entry in ClinVar:

ClinVar aggregate classification (germline): Conflicting classifications of pathogenicity. Review status: criteria provided, conflicting classifications (1 of 4 stars). 3 submissions from 3 submitters: Uncertain significance (2); Likely benign (1). Last evaluated 2025-09-14.

Conditions:
Inborn genetic diseases. Identifiers: MedGen C0950123, MeSH D030342.

Allele frequency attached by ClinVar (database versions not stated): TOPMed 0.00001.
gnomAD v4.1: 28 of 1,612,150 alleles (0.0017%); highest among the groups gnomAD compares: South Asian, 0.0033%; no homozygotes.

Submissions (3):

GeneDx
Classification: Uncertain significance. Last evaluated: 2025-09-14. Review status: criteria provided, single submitter. Criteria: GeneDx Variant Classification Process June 2021. Collection method: clinical testing. Allele origin: germline. Affected: yes.
Comment: Not observed at significant frequency in large population cohorts (gnomAD); In silico analysis supports that this missense variant has a deleterious effect on protein structure/function; Has not been previously published as pathogenic or benign to our knowledge

Labcorp Genetics (formerly Invitae), Labcorp
Classification: Likely benign. Last evaluated: 2025-03-27. Review status: criteria provided, single submitter. Criteria: Invitae Variant Classification Sherloc (09022015). Collection method: clinical testing. Allele origin: germline.

Ambry Genetics
Classification: Uncertain significance for Inborn genetic diseases. Last evaluated: 2023-12-15. Review status: criteria provided, single submitter. Criteria: Ambry Variant Classification Scheme 2023. Collection method: clinical testing. Allele origin: germline.

NM_080680.3(COL11A2):c.2843C>T (p.Pro948Leu)

Gene: COL11A2 (collagen type XI alpha 2 chain; minus strand). Cytogenetic location: 6p21.32.
Variant type: single nucleotide variant.
Coding change: c.2843C>T on transcript NM_080680.3 (MANE Select); coding-DNA position 2843, C replaced by T.
Protein change: p.Pro948Leu; replaces proline 948 with leucine.
Molecular consequence: missense variant.
Genome position (GRCh38, 1-based): chr6:33,172,585, G>A on the plus strand (C>T on the coding strand, the complement: COL11A2 is on the minus strand). VCF-style: chr6-33172585-G-A. GRCh37 (hg19) VCF-style: chr6-33140362-G-A.
Other names: c.2522C>T, p.Pro841Leu (NM_080679.3); c.2585C>T, p.Pro862Leu (NM_080681.3); short protein forms P841L, P862L, P948L.
Identifiers: ClinVar variation 1313443 (VCV001313443.9), dbSNP rs779187034, ClinGen allele CA3750712.
Genomic context (GRCh38, chr6:33,172,585, plus strand): 5'-CTGACCTTTGTTCCTTCTTTTCCAGCTGTCCCAGGTAGTCCCTGCTCTCCAGGGGGCCCC[G>A]GGGGGCCTGGGTGACCTCTCTCCCCCATAGGGCCGGTTTCTCCTGCTGCTCCCTAGACAA-3'
Protein context (NP_542411.2, residues 938-958): PMGERGHPGP[Pro948Leu]GPPGEQGLPG